The following is an entry in ClinVar:

ClinVar aggregate classification (germline): Uncertain significance (1 of 4 stars; one submission).

Allele frequency attached by ClinVar (database versions not stated): ExAC 0.00001; TOPMed 0.00001.

Submission:

GeneDx
Classification: Uncertain significance. Last evaluated: 2023-10-10. Review status: criteria provided, single submitter. Criteria: GeneDx Variant Classification Process June 2021. Collection method: clinical testing. Allele origin: germline. Affected: yes.
Comment: Has not been previously published as pathogenic or benign to our knowledge; Not observed at significant frequency in large population cohorts (gnomAD); In silico analysis supports that this missense variant does not alter protein structure/function

NM_001098.3(ACO2):c.1714G>A (p.Asp572Asn)

Genes: ACO2 (aconitase 2; plus strand), LOC130067544 (ATAC-STARR-seq lymphoblastoid active region 19118; plus strand). Cytogenetic location: 22q13.2.
Variant type: single nucleotide variant.
Coding change: c.1714G>A on transcript NM_001098.3 (MANE Select); coding-DNA position 1714, G replaced by A.
Protein change: p.Asp572Asn; replaces aspartic acid 572 with asparagine.
Molecular consequence: missense variant.
Genome position (GRCh38, 1-based): chr22:41,525,301, G>A. VCF-style: chr22-41525301-G-A. GRCh37 (hg19) VCF-style: chr22-41921305-G-A.
Other names: short protein forms D572N.
Identifiers: ClinVar variation 3252794 (VCV003252794.1), dbSNP rs771397435.